The following is an entry in ClinVar:

ClinVar aggregate classification (germline): Uncertain significance (1 of 4 stars; one submission).

Conditions:
Charcot-Marie-Tooth disease type 2E (CMT2E). Also called: CHARCOT-MARIE-TOOTH DISEASE, AXONAL, TYPE 2E; CHARCOT-MARIE-TOOTH NEUROPATHY, TYPE 2E. Identifiers: Orphanet 99939, MedGen C1843225, MONDO:0011894, OMIM 607684.

Submission:

Labcorp Genetics (formerly Invitae), Labcorp
Classification: Uncertain significance for Charcot-Marie-Tooth disease type 2E. Last evaluated: 2025-07-21. Review status: criteria provided, single submitter. Criteria: Invitae Variant Classification Sherloc (09022015). Collection method: clinical testing. Allele origin: germline.
Comment: This sequence change replaces arginine, which is basic and polar, with serine, which is neutral and polar, at codon 196 of the NEFL protein (p.Arg196Ser). Information on the frequency of this variant in the gnomAD database is not available, as this variant may be reported differently in the database. This variant has not been reported in the literature in individuals affected with NEFL-related conditions. Experimental studies and prediction algorithms are not available or were not evaluated, and the functional significance of this variant is currently unknown. In summary, the available evidence is currently insufficient to determine the role of this variant in disease. Therefore, it has been classified as a Variant of Uncertain Significance.

NM_006158.5(NEFL):c.585_586delinsAA (p.Arg196Ser)

Gene: NEFL (neurofilament light chain; minus strand). Cytogenetic location: 8p21.2.
Variant type: Indel.
Coding change: c.585_586delinsAA on transcript NM_006158.5 (MANE Select); coding-DNA positions 585 to 586, GC replaced by AA.
Protein change: p.Arg196Ser; replaces arginine 196 with serine.
Molecular consequence: missense variant.
Genome position (GRCh38, 1-based): chr8:24,955,930-24,955,931, GC replaced by TT on the plus strand (GC replaced by AA on the coding strand, the reverse complement: NEFL is on the minus strand). VCF-style: chr8-24955930-GC-TT. GRCh37 (hg19) VCF-style: chr8-24813444-GC-TT.
Other names: short protein forms R196S.
Identifiers: ClinVar variation 4723616 (VCV004723616.1).